The following is an entry in ClinVar:

NM_152594.3(SPRED1):c.932_933del (p.Val310_Phe311insTer)

Gene: SPRED1 (sprouty related EVH1 domain containing 1; plus strand). Cytogenetic location: 15q14.
Variant type: Deletion.
Coding change: c.932_933del on transcript NM_152594.3 (MANE Select); coding-DNA positions 932 to 933, 2 bases deleted (TT; older notation c.932_933delTT).
Protein change: p.Val310_Phe311insTer.
Molecular consequence: nonsense.
Genome position (GRCh38, 1-based): chr15:38,351,261-38,351,262, TT deleted; deleting any 2 consecutive bases within chr15:38,351,260-38,351,262 gives the same sequence; the c. name uses the placement nearest the transcript's 3' end. VCF-style (leftmost placement, unchanged base first): chr15-38351259-ATT-A. GRCh37 (hg19) VCF-style: chr15-38643460-ATT-A.
Identifiers: ClinVar variation 1709082 (VCV001709082.2), dbSNP rs2542743104, ClinGen allele CA2580089327.
Genomic context (GRCh38, chr15:38,351,259, plus strand): 5'-AGACTATCTGTACTCTTGTGGGGATGAGACTAAGTTAAGTTCACCCAAAGACTCTGTGGT[ATT>A]TAAGACGCAGCCTTCCTCATTAAAAATTAAGAAGTCAAAACGAAGAAAAGAGGATGGTGA-3'

ClinVar aggregate classification (germline): Likely pathogenic (1 of 4 stars; one submission).

Conditions:
Legius syndrome. Identifiers: Orphanet 137605, MedGen C1969623, MONDO:0012669, OMIM 611431. Disease mechanism: loss of function.

Submission:

MGZ Medical Genetics Center
Classification: Likely pathogenic for Legius syndrome. Last evaluated: 2022-01-14. Review status: criteria provided, single submitter. Criteria: ACMG Guidelines, 2015. Collection method: clinical testing. Allele origin: germline. Affected: yes. Observed: 1 variant allele.
Comment: ACMG criteria applied: PVS1, PM2_SUP